The following is an entry in ClinVar:

NM_001042432.2(CLN3):c.216G>C (p.Gln72His)

Gene: CLN3 (CLN3 lysosomal/endosomal transmembrane protein, battenin; minus strand). Cytogenetic location: 16p12.1.
Variant type: single nucleotide variant.
Coding change: c.216G>C on transcript NM_001042432.2 (MANE Select); coding-DNA position 216, G replaced by C.
Protein change: p.Gln72His; replaces glutamine 72 with histidine.
Molecular consequence: missense variant. On other transcripts: 5 prime UTR variant (1).
Genome position (GRCh38, 1-based): chr16:28,489,296, C>G on the plus strand (G>C on the coding strand, the complement: CLN3 is on the minus strand). VCF-style: chr16-28489296-C-G. GRCh37 (hg19) VCF-style: chr16-28500617-C-G.
Other names: c.216G>C, p.Gln72His (NM_000086.2, NM_001286104.2); c.-5G>C (NM_001286105.2); c.54G>C, p.Gln18His (NM_001286109.2, NM_001286110.2); short protein forms Q18H, Q72H.
Identifiers: ClinVar variation 3257418 (VCV003257418.17).

ClinVar aggregate classification (germline): Uncertain significance (1 of 4 stars; one submission).

gnomAD v4.1: 1 of 1,612,058 alleles (0.000062%); highest among the groups gnomAD compares: Non-Finnish European, 0.000085%; no homozygotes.

Submission:

CeGaT Center for Human Genetics Tuebingen
Classification: Uncertain significance. Last evaluated: 2024-07-01. Review status: criteria provided, single submitter. Criteria: CeGaT Center For Human Genetics Tuebingen Variant Classification Criteria Version 2. Collection method: clinical testing. Allele origin: germline. Affected: yes. Observed: 1 variant allele.
Comment: CLN3: PM2